The following is an entry in ClinVar:

NM_177438.3(DICER1):c.2026C>T (p.Arg676Ter)

Gene: DICER1 (dicer 1, ribonuclease III; minus strand). Cytogenetic location: 14q32.13.
Variant type: single nucleotide variant.
Coding change: c.2026C>T on transcript NM_177438.3 (MANE Select); coding-DNA position 2026, C replaced by T.
Protein change: p.Arg676Ter; replaces arginine 676 with a stop codon.
Molecular consequence: nonsense.
Genome position (GRCh38, 1-based): chr14:95,113,106, G>A on the plus strand (C>T on the coding strand, the complement: DICER1 is on the minus strand). VCF-style: chr14-95113106-G-A. GRCh37 (hg19) VCF-style: chr14-95579443-G-A.
Other names: NP_803187.1:p.R676*; c.2026C>T, p.Arg676Ter (NM_001195573.1, NM_001271282.3, NM_001291628.2 and 1 more transcripts); short protein forms R676*.
Identifiers: ClinVar variation 242054 (VCV000242054.28), dbSNP rs878855246, ClinGen allele CA10583215.
Genomic context (GRCh38, chr14:95,113,106, plus strand): 5'-ATGACACATTTTAAAAGATAACAATCATTTCTTCTTCTAAACTTACAACAATGGAGGCTC[G>A]AAGAGGTGAGTTAATTGGCAGATAAAGAGTTGAATAAAATGTACCATCAGGCAACTCTCG-3'

ClinVar aggregate classification (germline): Pathogenic. Review status: criteria provided, multiple submitters, no conflicts (2 of 4 stars). 9 submissions from 9 submitters: Pathogenic (8). 1 of the submissions does not count toward it. Last evaluated 2025-03-11.

Conditions:
Rhabdomyosarcoma. Also called: Rhabdomyosarcoma (disease). Identifiers: Orphanet 780, MedGen C0035412, MeSH D012208, MONDO:0005212, HP:0002859.
Hereditary cancer-predisposing syndrome. Also called: Neoplastic Syndromes, Hereditary; Tumor predisposition; Hereditary neoplastic syndrome; Hereditary Cancer Syndrome. Identifiers: Orphanet 140162, MedGen C0027672, MeSH D009386, MONDO:0015356.
DICER1-related tumor predisposition. Also called: DICER1 syndrome; DICER1-related pleuropulmonary blastoma cancer predisposition syndrome. Identifiers: Orphanet 284343, MedGen C3839822, MONDO:0100216.
Pleuropulmonary blastoma (PPB). Identifiers: Orphanet 64742, MedGen C1266144, MONDO:0011014, OMIM 601200, HP:0100528.

Submissions (9):

Labcorp Genetics (formerly Invitae), Labcorp
Classification: Pathogenic for DICER1-related tumor predisposition. Last evaluated: 2025-03-11. Review status: criteria provided, single submitter. Criteria: Invitae Variant Classification Sherloc (09022015). Collection method: clinical testing. Allele origin: germline.
Comment: This sequence change creates a premature translational stop signal (p.Arg676*) in the DICER1 gene. It is expected to result in an absent or disrupted protein product. Loss-of-function variants in DICER1 are known to be pathogenic (PMID: 19556464, 21266384). This variant is not present in population databases (gnomAD no frequency). This premature translational stop signal has been observed in individual(s) with pituitary blastoma (PMID: 24839956). ClinVar contains an entry for this variant (Variation ID: 242054). Algorithms developed to predict the effect of sequence changes on RNA splicing suggest that this variant may disrupt the consensus splice site. For these reasons, this variant has been classified as Pathogenic.

Center for Genomic Medicine, Rigshospitalet, Copenhagen University Hospital
Classification: Pathogenic. Last evaluated: 2025-03-04. Review status: criteria provided, single submitter. Criteria: ACMG Guidelines, 2015. Collection method: clinical testing. Allele origin: germline.

Ambry Genetics
Classification: Pathogenic for Hereditary cancer-predisposing syndrome. Last evaluated: 2022-10-12. Review status: criteria provided, single submitter. Criteria: Ambry Variant Classification Scheme 2023. Collection method: clinical testing. Allele origin: germline.
Comment: The p.R676* pathogenic mutation (also known as c.2026C>T), located in coding exon 11 of the DICER1 gene, results from a C to T substitution at nucleotide position 2026. This changes the amino acid from an arginine to a stop codon within coding exon 11. In addition to the clinical data presented in the literature, this alteration is expected to result in loss of function by premature protein truncation or nonsense-mediated mRNA decay. As such, this alteration is interpreted as a disease-causing mutation.

St. Jude Molecular Pathology, St. Jude Children's Research Hospital
Classification: Pathogenic for Pleuropulmonary blastoma. Last evaluated: 2022-08-17. Review status: criteria provided, single submitter. Criteria: St. Jude Assertion Criteria 2020. Collection method: clinical testing. Allele origin: germline.
Comment: The DICER1 c.2026C>T (p.Arg676Ter) change is a nonsense variant that is predicted to cause protein truncation and loss of normal protein function (PVS1). This variant has been reported in individuals with pituitary blastoma and pineoblastoma, and the tumors of these individuals harbored a second pathogenic variant in the DICER1 gene (PMID: 24839956, internal data). This variant is absent in gnomAD non-cancer v2.1.1. In summary, this variant meets criteria to be classified as pathogenic.

GeneDx
Classification: Pathogenic. Last evaluated: 2022-08-15. Review status: criteria provided, single submitter. Criteria: GeneDx Variant Classification Process June 2021. Collection method: clinical testing. Allele origin: germline. Affected: yes.
Comment: Nonsense variant predicted to result in protein truncation or nonsense mediated decay in a gene for which loss-of-function is a known mechanism of disease; Not observed in large population cohorts (gnomAD); This variant is associated with the following publications: (PMID: 24839956, 29762508, 28862265, 26925222, 33372952)

Foulkes Cancer Genetics LDI, Lady Davis Institute for Medical Research
Classification: Pathogenic for Pleuropulmonary blastoma. Last evaluated: 2019-07-01. Review status: criteria provided, single submitter. Criteria: ACMG Guidelines, 2015. Collection method: curation. Allele origin: germline. Affected: yes. Observed: 3 variant alleles.
Comment: ACMG criteria met: PVS1, PM2, PM7, PP4

PreventionGenetics, part of Exact Sciences
Classification: Pathogenic. Last evaluated: 2017-11-03. Review status: criteria provided, single submitter. Criteria: ACMG Guidelines, 2015. Collection method: clinical testing. Allele origin: germline.

International Pleuropulmonary Blastoma Registry, Children's Hospitals and Clinics of Minnesota
Classification: Pathogenic for Pleuropulmonary blastoma. Last evaluated: 2014-11-10. Review status: criteria provided, single submitter. Criteria: Hill et al. (Science. 2009). Collection method: clinical testing. Allele origin: somatic. Affected: yes. Study: PPB-DICER1 Genetic study.

Human Genome Sequencing Center Clinical Lab, Baylor College of Medicine
Classification: Pathogenic for Rhabdomyosarcoma. Last evaluated: 2020-09-01. Review status: no assertion criteria provided. Collection method: provider interpretation. Allele origin: germline. Affected: yes. Not counted in ClinVar's aggregate classification.

Literature cited by the submitters: PubMed 19556464 (cited by Labcorp Genetics (formerly Invitae), Labcorp); PubMed 21266384 (cited by Labcorp Genetics (formerly Invitae), Labcorp); PubMed 24839956 (cited by 3 submitters); PubMed 28862265 (cited by Foulkes Cancer Genetics LDI, Lady Davis Institute for Medical Research); PubMed 26925222 (cited by International Pleuropulmonary Blastoma Registry, Children's Hospitals and Clinics of Minnesota); PubMed 33372952 (cited by Human Genome Sequencing Center Clinical Lab, Baylor College of Medicine).